The following is an entry in ClinVar:

NM_000077.5(CDKN2A):c.228del (p.Thr77fs)

Gene: CDKN2A (cyclin dependent kinase inhibitor 2A; minus strand). Cytogenetic location: 9p21.3.
Variant type: Deletion.
Coding change: c.228del on transcript NM_000077.5; coding-DNA position 228, one base deleted (C; older notation c.228delC).
Protein change: p.Thr77fs; shifts the reading frame from threonine 77.
Molecular consequence: frameshift variant (on NM_000077.4). On other transcripts: 3 prime UTR variant (1).
Genome position (GRCh38, 1-based): chr9:21,971,131, G deleted on the plus strand (C on the coding strand, the reverse complement: CDKN2A is on the minus strand); the first of 2 consecutive G bases (chr9:21,971,131-21,971,132); deleting either gives the same sequence. VCF-style (leftmost placement, unchanged base first): chr9-21971130-TG-T. GRCh37 (hg19) VCF-style: chr9-21971129-TG-T.
Other names: c.228delC (NM_000077.4); c.227delC, p.Thr77Leufs (NM_000077.6); c.228del, p.Thr77fs (NM_001195132.2); c.75del, p.Thr26fs (NM_001363763.2); c.271del, p.His91fs (NM_058195.4); c.*151del (NM_058197.5); short protein forms T26fs, T77fs, H91fs.
Identifiers: ClinVar variation 1789081 (VCV001789081.2), dbSNP rs2489275992, ClinGen allele CA464261967.
Genomic context (GRCh38, chr9:21,971,130, plus strand): 5'-GCACCACCAGCGTGTCCAGGAAGCCCTCCCGGGCAGCGTCGTGCACGGGTCGGGTGAGAG[TG>T]GCGGGGTCGGCGCAGTTGGGCTCCGCGCCGTGGAGCAGCAGCAGCTCCGCCACTCGGGCG-3'

ClinVar aggregate classification (germline): Pathogenic (1 of 4 stars; one submission).

Conditions:
Hereditary cancer-predisposing syndrome. Also called: Hereditary neoplastic syndrome; Neoplastic Syndromes, Hereditary; Tumor predisposition; Hereditary Cancer Syndrome. Identifiers: Orphanet 140162, MedGen C0027672, MeSH D009386, MONDO:0015356.

Submission:

Ambry Genetics
Classification: Pathogenic for Hereditary cancer-predisposing syndrome. Last evaluated: 2021-07-08. Review status: criteria provided, single submitter. Criteria: Ambry Variant Classification Scheme 2023. Collection method: clinical testing. Allele origin: germline.
Comment: The c.228delC pathogenic mutation, located in coding exon 2 of the CDKN2A gene, results from a deletion of one nucleotide at nucleotide position 228, causing a translational frameshift with a predicted alternate stop codon (p.T77Lfs*69). This alteration occurs at the 3' terminus of theCDKN2A gene, is not expected to trigger nonsense-mediated mRNA decay, and impacts the last 80 amino acids of the protein. However, premature stop codons are typically deleterious in nature and the impacted region is critical for protein function (Ambry internal data). Based on the supporting evidence, this alteration is interpreted as a disease-causing mutation.